The following is an entry in ClinVar:

ClinVar aggregate classification (germline): Pathogenic (1 of 4 stars; one submission).

Conditions:
Seizures, benign familial infantile, 3 (BFIS3). Also called: Familial neonatal seizures; CONVULSIONS, BENIGN FAMILIAL INFANTILE, 3. Identifiers: Orphanet 140927, Orphanet 306, MedGen C1843140, MONDO:0011904, OMIM 607745.
Developmental and epileptic encephalopathy, 11 (DEE11). Also called: Early infantile epileptic encephalopathy 11. Identifiers: Orphanet 1934, MedGen C3150987, MONDO:0013388, OMIM 613721.

Submission:

Labcorp Genetics (formerly Invitae), Labcorp
Classification: Pathogenic for Seizures, benign familial infantile, 3; Developmental and epileptic encephalopathy, 11. Last evaluated: 2022-04-24. Review status: criteria provided, single submitter. Criteria: Invitae Variant Classification Sherloc (09022015). Collection method: clinical testing. Allele origin: germline.
Comment: For these reasons, this variant has been classified as Pathogenic. This variant has not been reported in the literature in individuals affected with SCN2A-related conditions. This variant is not present in population databases (gnomAD no frequency). This sequence change creates a premature translational stop signal (p.Arg722Aspfs*16) in the SCN2A gene. It is expected to result in an absent or disrupted protein product. Loss-of-function variants in SCN2A are known to be pathogenic (PMID: 28379373).

Literature cited by the submitters: PubMed 28379373.

NM_001040142.2(SCN2A):c.2164del (p.Arg722fs)

Gene: SCN2A (sodium voltage-gated channel alpha subunit 2; plus strand). Cytogenetic location: 2q24.3.
Variant type: Deletion.
Coding change: c.2164del on transcript NM_001040142.2 (MANE Select); coding-DNA position 2164, one base deleted (A; older notation c.2164delA).
Protein change: p.Arg722fs; shifts the reading frame from arginine 722.
Molecular consequence: frameshift variant.
Genome position (GRCh38, 1-based): chr2:165,331,344, A deleted. VCF-style (leftmost placement, unchanged base first): chr2-165331343-CA-C. GRCh37 (hg19) VCF-style: chr2-166187853-CA-C.
Other names: c.2164del, p.Arg722fs (NM_001040143.2, NM_001371246.1, NM_001371247.1 and 1 more transcripts); short protein forms R722fs.
Identifiers: ClinVar variation 2130032 (VCV002130032.4), dbSNP rs2467961545, ClinGen allele CA2580064203.